The following is an entry in ClinVar:

ClinVar aggregate classification (germline): Uncertain significance (1 of 4 stars; one submission).

Conditions:
Epileptic encephalopathy. Identifiers: MedGen C0543888, HP:0200134.

Allele frequency attached by ClinVar (database versions not stated): ExAC 0.00008; ESP Exome Variant Server 0.00008; TOPMed 0.00012; gnomAD 0.00015 and 0.00016.
gnomAD v4.1: 60 of 1,609,466 alleles (0.0037%); highest among the groups gnomAD compares: African/African-American, 0.063%; no homozygotes.

Submission:

Labcorp Genetics (formerly Invitae), Labcorp
Classification: Uncertain significance for Epileptic encephalopathy. Last evaluated: 2019-06-27. Review status: criteria provided, single submitter. Criteria: Invitae Variant Classification Sherloc (09022015). Collection method: clinical testing. Allele origin: germline.
Comment: In summary, the available evidence is currently insufficient to determine the role of this variant in disease. Therefore, it has been classified as a Variant of Uncertain Significance. Algorithms developed to predict the effect of missense changes on protein structure and function do not agree on the potential impact of this missense change (SIFT: "Deleterious"; PolyPhen-2: "Probably Damaging"; Align-GVGD: "Class C0"). This variant has not been reported in the literature in individuals with RYR3-related disease. This variant is present in population databases (rs371979169, ExAC 0.09%). This sequence change replaces glycine with serine at codon 2761 of the RYR3 protein (p.Gly2761Ser). The glycine residue is highly conserved and there is a small physicochemical difference between glycine and serine.

NM_001036.6(RYR3):c.8281G>A (p.Gly2761Ser)

Gene: RYR3 (ryanodine receptor 3; plus strand). Cytogenetic location: 15q14.
Variant type: single nucleotide variant.
Coding change: c.8281G>A on transcript NM_001036.6 (MANE Select); coding-DNA position 8281, G replaced by A.
Protein change: p.Gly2761Ser; replaces glycine 2761 with serine.
Molecular consequence: missense variant.
Genome position (GRCh38, 1-based): chr15:33,750,168, G>A. VCF-style: chr15-33750168-G-A. GRCh37 (hg19) VCF-style: chr15-34042369-G-A.
Other names: c.8281G>A, p.Gly2761Ser (NM_001243996.4); short protein forms G2761S.
Identifiers: ClinVar variation 580075 (VCV000580075.10), dbSNP rs371979169, ClinGen allele CA7460174.